The following is an entry in ClinVar:

NM_024422.6(DSC2):c.352A>G (p.Lys118Glu)

Gene: DSC2 (desmocollin 2; minus strand). Cytogenetic location: 18q12.1.
Variant type: single nucleotide variant.
Coding change: c.352A>G on transcript NM_024422.6 (MANE Select); coding-DNA position 352, A replaced by G.
Protein change: p.Lys118Glu; replaces lysine 118 with glutamic acid.
Molecular consequence: missense variant. On other transcripts: 5 prime UTR variant (2).
Genome position (GRCh38, 1-based): chr18:31,092,103, T>C on the plus strand (A>G on the coding strand, the complement: DSC2 is on the minus strand). VCF-style: chr18-31092103-T-C. GRCh37 (hg19) VCF-style: chr18-28672066-T-C.
Other names: c.-78A>G (NM_001406506.1, NM_001406507.1); c.352A>G, p.Lys118Glu (NM_004949.5); short protein forms K118E.
Identifiers: ClinVar variation 5035592 (VCV005035592.1).
Genomic context (GRCh38, chr18:31,092,103, plus strand): 5'-AATGTTGATTACGTCTGAAGAAAAGATATCATTTCTTCATTTATGTAGCCTTGTATACCT[T>C]TGTTTGATGCTCCAAAAAGACAAATATTTTCTTCTTTTCTTGGTTCTCAGTGTTGGAAAG-3'
Protein context (NP_077740.1, residues 108-128): KIFVFLEHQT[Lys118Glu]VLKKRHTKEK

ClinVar aggregate classification (germline): Uncertain significance (1 of 4 stars; one submission).

Conditions:
Cardiovascular phenotype. Identifiers: MedGen CN230736.

gnomAD v4.1: 1 of 1,611,570 alleles (0.000062%); highest among the groups gnomAD compares: Non-Finnish European, 0.000085%; no homozygotes.

Submission:

Ambry Genetics
Classification: Uncertain significance for Cardiovascular phenotype. Last evaluated: 2026-07-17. Review status: criteria provided, single submitter. Criteria: Ambry Variant Classification Scheme 2023. Collection method: clinical testing. Allele origin: germline.
Comment: The p.K118E variant (also known as c.352A>G), located in coding exon 3 of the DSC2 gene, results from an A to G substitution at nucleotide position 352. The lysine at codon 118 is replaced by glutamic acid, an amino acid with similar properties. This amino acid position is conserved. In addition, this alteration is predicted to be tolerated by in silico analysis. Based on the available evidence, the clinical significance of this variant remains unclear.